The following is an entry in ClinVar:

NM_020134.4(DPYSL5):c.366del (p.Lys123fs)

Gene: DPYSL5 (dihydropyrimidinase like 5; plus strand). Cytogenetic location: 2p23.3.
Variant type: Deletion.
Coding change: c.366del on transcript NM_020134.4 (MANE Select); coding-DNA position 366, one base deleted (C; older notation c.366delC).
Protein change: p.Lys123fs; shifts the reading frame from lysine 123.
Molecular consequence: frameshift variant.
Genome position (GRCh38, 1-based): chr2:26,924,991, C deleted; the last of 4 consecutive C bases (chr2:26,924,988-26,924,991); deleting any one gives the same sequence. VCF-style (leftmost placement, unchanged base first): chr2-26924987-AC-A. GRCh37 (hg19) VCF-style: chr2-27147855-AC-A.
Other names: c.366del, p.Lys123fs (NM_001253723.2, NM_001253724.2); c.366delC (NM_020134.4); short protein forms K123fs.
Identifiers: ClinVar variation 3339381 (VCV003339381.1).

ClinVar aggregate classification (germline): Uncertain significance (1 of 4 stars; one submission).

Submission:

Women's Health and Genetics/Laboratory Corporation of America, LabCorp
Classification: Uncertain significance. Last evaluated: 2024-07-23. Review status: criteria provided, single submitter. Criteria: LabCorp Variant Classification Summary - May 2015. Collection method: clinical testing. Allele origin: germline.
Comment: Variant summary: DPYSL5 c.366delC (p.Lys123ArgfsX19) results in a premature termination codon, predicted to cause a truncation of the encoded protein or absence of the protein due to nonsense mediated decay, however the molecular mechanism of disease attributed to DPYSL5 is gain-of-function. The variant was absent in 251210 control chromosomes. The available data on variant occurrences in the general population are insufficient to allow any conclusion about variant significance. To our knowledge, no occurrence of c.366delC in individuals affected with Ritscher-Schinzel Syndrome 4 and no experimental evidence demonstrating its impact on protein function have been reported. No submitters have cited clinical-significance assessments for this variant to ClinVar. Based on the evidence outlined above, the variant was classified as uncertain significance.